The following is an entry in ClinVar:

ClinVar aggregate classification (germline): Uncertain significance (1 of 4 stars; one submission).

Conditions:
Joubert syndrome 18 (JBTS18). Identifiers: Orphanet 2754, MedGen C3553758, MONDO:0013896, OMIM 614815.
Orofacial-digital syndrome IV (OFD4). Also called: Orofaciodigital syndrome IV; BARAITSER-BURN SYNDROME; MOHR-MAJEWSKI SYNDROME; OFD SYNDROME WITH TIBIAL DEFECTS; OFD SYNDROME, BARAITSER-BURN TYPE; OFDS IV. Identifiers: Orphanet 2753, MedGen C0406727, MONDO:0009794, OMIM 258860.

Allele frequency attached by ClinVar (database versions not stated): gnomAD exomes below 0.00001.
gnomAD v4.1: 1 of 1,614,212 alleles (0.000062%); highest among the groups gnomAD compares: Non-Finnish European, 0.000085%; no homozygotes.

Submission:

Labcorp Genetics (formerly Invitae), Labcorp
Classification: Uncertain significance for Joubert syndrome 18; Orofacial-digital syndrome IV. Last evaluated: 2024-10-29. Review status: criteria provided, single submitter. Criteria: Invitae Variant Classification Sherloc (09022015). Collection method: clinical testing. Allele origin: germline.
Comment: This sequence change replaces arginine, which is basic and polar, with lysine, which is basic and polar, at codon 579 of the TCTN3 protein (p.Arg579Lys). This variant is present in population databases (no rsID available, gnomAD 0.0009%). This variant has not been reported in the literature in individuals affected with TCTN3-related conditions. ClinVar contains an entry for this variant (Variation ID: 1424408). An algorithm developed to predict the effect of missense changes on protein structure and function outputs the following: PolyPhen-2: "Benign". The lysine amino acid residue is found in multiple mammalian species, which suggests that this missense change does not adversely affect protein function. In summary, the available evidence is currently insufficient to determine the role of this variant in disease. Therefore, it has been classified as a Variant of Uncertain Significance.

NM_015631.6(TCTN3):c.1736G>A (p.Arg579Lys)

Gene: TCTN3 (tectonic family member 3; minus strand). Cytogenetic location: 10q24.1.
Variant type: single nucleotide variant.
Coding change: c.1736G>A on transcript NM_015631.6 (MANE Select); coding-DNA position 1736, G replaced by A.
Protein change: p.Arg579Lys; replaces arginine 579 with lysine.
Molecular consequence: missense variant.
Genome position (GRCh38, 1-based): chr10:95,664,155, C>T on the plus strand (G>A on the coding strand, the complement: TCTN3 is on the minus strand). VCF-style: chr10-95664155-C-T. GRCh37 (hg19) VCF-style: chr10-97423912-C-T.
Other names: c.1292G>A, p.Arg431Lys (NM_001143973.2); short protein forms R579K, R431K.
Identifiers: ClinVar variation 1424408 (VCV001424408.7), dbSNP rs1352225292, ClinGen allele CA377699213.